The following is an entry in ClinVar:

ClinVar aggregate classification (germline): Pathogenic. Review status: reviewed by expert panel (3 of 4 stars). 13 submissions from 13 submitters: Pathogenic (1). 12 of the submissions do not count toward it. Last evaluated 2016-04-22.

Conditions:
Inherited breast cancer and ovarian cancer.
Hereditary cancer-predisposing syndrome. Also called: Neoplastic Syndromes, Hereditary; Tumor predisposition; Hereditary neoplastic syndrome; Hereditary Cancer Syndrome. Identifiers: Orphanet 140162, MedGen C0027672, MeSH D009386, MONDO:0015356.
Hereditary breast ovarian cancer syndrome. Also called: Hereditary breast and ovarian cancer syndrome (HBOC); Hereditary breast and ovarian cancer syndrome; Breast and ovarian cancer; Hereditary breast and ovarian cancer; Hereditary breast and/or ovarian cancer syndrome; BRCA1- and BRCA2-Associated Hereditary Breast and Ovarian Cancer. Identifiers: Orphanet 145, MedGen C0677776, MeSH D061325, MONDO:0003582. Disease mechanism: loss of function.
Breast-ovarian cancer, familial, susceptibility to, 2 (BROVCA2). Also called: BRCA2 Hereditary Breast and Ovarian Cancer. Identifiers: Orphanet 145, MedGen C2675520, MONDO:0012933, OMIM 612555. Disease mechanism: loss of function.
Familial cancer of breast. Also called: Hereditary breast cancer; BREAST CANCER, FAMILIAL; hereditary breast carcinoma. Identifiers: Orphanet 227535, MedGen C0346153, MONDO:0016419, OMIM 114480. Disease mechanism: loss of function.

Submissions (13):

Evidence-based Network for the Interpretation of Germline Mutant Alleles (ENIGMA)
Classification: Pathogenic for Breast-ovarian cancer, familial, susceptibility to, 2. Last evaluated: 2016-04-22. Review status: reviewed by expert panel. Criteria: ENIGMA BRCA1/2 Classification Criteria (2015). Collection method: curation. Allele origin: germline.
Comment: Variant allele predicted to encode a truncated non-functional protein.

Genetics Laboratory, Great Ormond Street Hospital NHS Foundation Trust, North Thames Genomic Laboratory Hub
Classification: Pathogenic for Inherited breast cancer and ovarian cancer. Last evaluated: 2026-07-01. Review status: criteria provided, single submitter. Criteria: CanVIG BRCA Gene Specific V1.22. Collection method: clinical testing. Allele origin: germline. Affected: yes. Not counted in ClinVar's aggregate classification.
Comment: PS4_supporting, PM2_moderate, PVS1_very-strong, PM5_strong

Labcorp Genetics (formerly Invitae), Labcorp
Classification: Pathogenic for Hereditary breast ovarian cancer syndrome. Last evaluated: 2025-07-31. Review status: criteria provided, single submitter. Criteria: Invitae Variant Classification Sherloc (09022015). Collection method: clinical testing. Allele origin: germline. Not counted in ClinVar's aggregate classification.
Comment: This sequence change creates a premature translational stop signal (p.Glu2028Argfs*20) in the BRCA2 gene. It is expected to result in an absent or disrupted protein product. Loss-of-function variants in BRCA2 are known to be pathogenic (PMID: 20104584). This variant is not present in population databases (gnomAD no frequency). This premature translational stop signal has been observed in individual(s) with a personal and/or family history of BRCA2-related cancers (PMID: 15131399). This variant is also known as 6306delAA. ClinVar contains an entry for this variant (Variation ID: 52003). For these reasons, this variant has been classified as Pathogenic.

Center for Genomic Medicine, Rigshospitalet, Copenhagen University Hospital
Classification: Pathogenic. Last evaluated: 2025-03-04. Review status: criteria provided, single submitter. Criteria: ACMG Guidelines, 2015. Collection method: clinical testing. Allele origin: germline. Not counted in ClinVar's aggregate classification.

GeneDx
Classification: Pathogenic. Last evaluated: 2024-08-21. Review status: criteria provided, single submitter. Criteria: GeneDx Variant Classification Process June 2021. Collection method: clinical testing. Allele origin: germline. Affected: yes. Not counted in ClinVar's aggregate classification.
Comment: Frameshift variant predicted to result in protein truncation or nonsense mediated decay in a gene for which loss of function is a known mechanism of disease; Not observed at significant frequency in large population cohorts (gnomAD); Truncating variants in this gene are considered pathogenic by a well-established clinical consortium and/or database; Also known as 6306_6307delAA or 6306delAA; This variant is associated with the following publications: (PMID: 15131399, 34413315, 31825140, 32438681, 36367610, 20104584, 28680148, 38974244, 33010199, 34284872)

Ambry Genetics
Classification: Pathogenic for Hereditary cancer-predisposing syndrome. Last evaluated: 2024-01-29. Review status: criteria provided, single submitter. Criteria: Ambry Variant Classification Scheme 2023. Collection method: clinical testing. Allele origin: germline. Not counted in ClinVar's aggregate classification.
Comment: The c.6078_6079delAA pathogenic mutation, located in coding exon 10 of the BRCA2 gene, results from a deletion of two nucleotides at nucleotide positions 6078 to 6079, causing a translational frameshift with a predicted alternate stop codon (p.E2028Rfs*20). This pathogenic mutation, located in the ovarian cancer cluster region of the BRCA2 gene, has been reported in multiple families with breast and/or ovarian cancer (Lubinski J et al.Fam. Cancer 2004; 3(1):1-10). This variant is also designated as 6306delAA. In addition to the clinical data presented in the literature, this alteration is expected to result in loss of function by premature protein truncation or nonsense-mediated mRNA decay. As such, this alteration is interpreted as a disease-causing mutation.

Illumina Laboratory Services, Illumina
Classification: Pathogenic for Breast-ovarian cancer, familial, susceptibility to, 2. Last evaluated: 2023-07-13. Review status: criteria provided, single submitter. Criteria: ICSLVariantClassificationCriteria RUGD 01 April 2020. Collection method: clinical testing. Allele origin: unknown. Not counted in ClinVar's aggregate classification.
Comment: The BRCA2 c.6078_6079del (p.Glu2028ArgfsTer20) variant, also referred to as c.6306delAA, causes a shift in the protein reading frame that is predicted to result in premature termination of the protein. Loss of normal protein function through either protein truncation or nonsense-mediated mRNA decay is expected. The p.Glu2028ArgfsTer20 variant has been identified in three families with a history of cancer; however, phenotype details were unavailable (PMID: 15131399). Additionally, this variant was identified in two individuals with a history of breast cancer (PMID: 34284872). This variant is not observed in version 2.1.1 or version 3.1.2 of the Genome Aggregation Database. This variant has been classified as pathogenic by a ClinVar expert panel. Based on the available evidence, the c.6078_6079del (p.Glu2028ArgfsTer20) variant is classified as pathogenic for hereditary breast and ovarian cancer.

Baylor Genetics
Classification: Pathogenic for Familial cancer of breast. Last evaluated: 2023-05-19. Review status: criteria provided, single submitter. Criteria: ACMG Guidelines, 2015. Collection method: clinical testing. Allele origin: unknown. Not counted in ClinVar's aggregate classification.

Women's Health and Genetics/Laboratory Corporation of America, LabCorp
Classification: Pathogenic for Hereditary breast ovarian cancer syndrome. Last evaluated: 2017-01-18. Review status: criteria provided, single submitter. Criteria: LabCorp Variant Classification Summary - May 2015. Collection method: clinical testing. Allele origin: germline. Not counted in ClinVar's aggregate classification.
Comment: Variant summary: The BRCA2 c.6078_6079delAA (p.Glu2028Argfs) variant, alternatively also known as 6306delAA and/or 6306_6307delAA, results in a premature termination codon, predicted to cause a truncated or absent BRCA2 protein due to nonsense mediated decay (NMD), which is commonly known mechanisms for disease. If NMD is escaped this variant is expected to truncate multiple functional regions and domains) (one BRCA2 repeat, helical domain, oligonucleotide/oligosaccharide-binding 1 region, OB-folds, and Tower domain; via InterPro). Truncations downstream of this position have been classified as pathogenic by our laboratory and others (e.g. c.6270_6271delTA, c.6275_6276delTT, c.6333_6337delGAGAA, etc.). This variant is absent in 120736 control chromosomes from ExAC. In a publication, this variant has been reported in three HBOC families without phenotypic and genotypic details in family members (Lubinski_2004). In ClinVar, this variant has been reported in four patients with breast and/or ovarian cancer by clinical laboratories (BIC and Invitae). Multiple clinical diagnostic laboratories/reputable databases have classified this variant as pathogenic. Taken together, this variant is classified as Pathogenic.

Quest Diagnostics Nichols Institute San Juan Capistrano
Classification: Pathogenic. Last evaluated: 2016-10-03. Review status: criteria provided, single submitter. Criteria: Quest Diagnostics criteria. Collection method: clinical testing. Allele origin: germline. Not counted in ClinVar's aggregate classification.

Consortium of Investigators of Modifiers of BRCA1/2 (CIMBA), c/o University of Cambridge
Classification: Pathogenic for Breast-ovarian cancer, familial, susceptibility to, 2. Last evaluated: 2015-10-02. Review status: criteria provided, single submitter. Criteria: CIMBA Mutation Classification guidelines May 2016. Collection method: clinical testing. Allele origin: germline. Not counted in ClinVar's aggregate classification.

Research Molecular Genetics Laboratory, Women's College Hospital, University of Toronto
Classification: Pathogenic for Hereditary breast ovarian cancer syndrome. Last evaluated: 2014-01-31. Review status: no assertion criteria provided. Collection method: research. Allele origin: germline. Affected: yes. Study: The Canadian Open Genetics Repository (COGR). Not counted in ClinVar's aggregate classification.

Breast Cancer Information Core (BIC) (BRCA2)
Classification: Pathogenic for Breast-ovarian cancer, familial 2. Last evaluated: 2002-05-29. Review status: no assertion criteria provided. Collection method: clinical testing. Allele origin: germline. Affected: yes. Observed: 3 variant alleles. Not counted in ClinVar's aggregate classification.

Literature cited by the submitters: PubMed 20104584 (cited by Labcorp Genetics (formerly Invitae), Labcorp); PubMed 15131399 (cited by 4 submitters).

NM_000059.4(BRCA2):c.6078_6079del (p.Glu2028fs)

Gene: BRCA2 (BRCA2 DNA repair associated; plus strand). Cytogenetic location: 13q13.1.
Variant type: Deletion.
Coding change: c.6078_6079del on transcript NM_000059.4 (MANE Select); coding-DNA positions 6078 to 6079, 2 bases deleted (AA; older notation c.6078_6079delAA).
Protein change: p.Glu2028fs; shifts the reading frame from glutamic acid 2028.
Molecular consequence: frameshift variant.
Genome position (GRCh38, 1-based): chr13:32,340,433-32,340,434, AA deleted. VCF-style (leftmost placement, unchanged base first): chr13-32340432-CAA-C. GRCh37 (hg19) VCF-style: chr13-32914569-CAA-C.
Other names: 6306delAA; 6306_6307delAA; c.6078_6079delAA (NM_000059.3).
Identifiers: ClinVar variation 52003 (VCV000052003.22), dbSNP rs80359557, ClinGen allele CA023610.